The following is an entry in ClinVar:

ClinVar aggregate classification (germline): Uncertain significance (1 of 4 stars; one submission).

Conditions:
Congenital myasthenic syndrome 4A. Also called: Myasthenic syndrome, congenital, 4a, slow-channel; CONGENITAL MYASTHENIC SYNDROME TYPE Ia1; MYASTHENIC SYNDROME, CONGENITAL, 4A, SLOW-CHANNEL, AUTOSOMAL RECESSIVE. Identifiers: Orphanet 590, MedGen C4225413, MONDO:0011600, OMIM 605809.

Allele frequency attached by ClinVar (database versions not stated): gnomAD exomes below 0.00001; ExAC 0.00001.
gnomAD v4.1: 1 of 1,614,142 alleles (0.000062%); highest among the groups gnomAD compares: Non-Finnish European, 0.000085%; no homozygotes.

Submission:

Labcorp Genetics (formerly Invitae), Labcorp
Classification: Uncertain significance for Congenital myasthenic syndrome 4A. Last evaluated: 2021-07-14. Review status: criteria provided, single submitter. Criteria: Invitae Variant Classification Sherloc (09022015). Collection method: clinical testing. Allele origin: germline.
Comment: In summary, the available evidence is currently insufficient to determine the role of this variant in disease. Therefore, it has been classified as a Variant of Uncertain Significance. Advanced modeling of protein sequence and biophysical properties (such as structural, functional, and spatial information, amino acid conservation, physicochemical variation, residue mobility, and thermodynamic stability) performed at Invitae indicates that this missense variant is expected to disrupt CHRNE protein function. This variant has not been reported in the literature in individuals affected with CHRNE-related conditions. This variant is present in population databases (rs770980262, ExAC 0.002%). This sequence change replaces threonine with isoleucine at codon 297 of the CHRNE protein (p.Thr297Ile). The threonine residue is highly conserved and there is a moderate physicochemical difference between threonine and isoleucine.

NM_000080.4(CHRNE):c.890C>T (p.Thr297Ile)

Genes: C17orf107 (chromosome 17 open reading frame 107; plus strand), CHRNE (cholinergic receptor nicotinic epsilon subunit; minus strand). Cytogenetic location: 17p13.2.
Variant type: single nucleotide variant.
Coding change: c.890C>T on transcript NM_000080.4 (MANE Select); coding-DNA position 890, C replaced by T.
Protein change: p.Thr297Ile; replaces threonine 297 with isoleucine.
Molecular consequence: missense variant. On other transcripts: 3 prime UTR variant (1).
Genome position (GRCh38, 1-based): chr17:4,900,820, G>A on the plus strand (C>T on the coding strand, the complement: CHRNE is on the minus strand). VCF-style: chr17-4900820-G-A. GRCh37 (hg19) VCF-style: chr17-4804115-G-A.
Other names: c.*287G>A (NM_001145536.2); short protein forms T297I.
Identifiers: ClinVar variation 1408535 (VCV001408535.8), dbSNP rs770980262, ClinGen allele CA8314218.
Genomic context (GRCh38, chr17:4,900,820, plus strand): 5'-CTGGCCACACCCCCGCGGGGGCTCCGGCTTCACCTGCCCAGGAGCGGCACGCTCAGAGAA[G>A]TCTCTGGGATTTTCTGGGCAATGAGGAACAAGAAGACGGTCTGGGCGAGCAGGACGTTGA-3'
Protein context (NP_000071.1, residues 287-307): LFLIAQKIPE[Thr297Ile]SLSVPLLGRF